The following is an entry in ClinVar:

NM_000465.4(BARD1):c.1036G>C (p.Asp346His)

Gene: BARD1 (BRCA1 associated RING domain 1; minus strand). Cytogenetic location: 2q35.
Variant type: single nucleotide variant.
Coding change: c.1036G>C on transcript NM_000465.4 (MANE Select); coding-DNA position 1036, G replaced by C.
Protein change: p.Asp346His; replaces aspartic acid 346 with histidine.
Molecular consequence: missense variant. On other transcripts: non-coding transcript variant (2), intron variant (3).
Genome position (GRCh38, 1-based): chr2:214,780,838, C>G on the plus strand (G>C on the coding strand, the complement: BARD1 is on the minus strand). VCF-style: chr2-214780838-C-G. GRCh37 (hg19) VCF-style: chr2-215645562-C-G.
Other names: c.979G>C, p.Asp327His (NM_001282543.2); c.159-28283G>C (NM_001282548.2); c.215+16223G>C (NM_001282545.2); c.364+11459G>C (NM_001282549.2); short protein forms D327H, D346H.
Identifiers: ClinVar variation 3655671 (VCV003655671.2).

ClinVar aggregate classification (germline): Uncertain significance (1 of 4 stars; one submission).

Conditions:
Familial cancer of breast. Also called: hereditary breast carcinoma; BREAST CANCER, FAMILIAL; Hereditary breast cancer. Identifiers: Orphanet 227535, MedGen C0346153, MONDO:0016419, OMIM 114480. Disease mechanism: loss of function.

Submission:

Labcorp Genetics (formerly Invitae), Labcorp
Classification: Uncertain significance for Familial cancer of breast. Last evaluated: 2024-06-05. Review status: criteria provided, single submitter. Criteria: Invitae Variant Classification Sherloc (09022015). Collection method: clinical testing. Allele origin: germline.
Comment: This sequence change replaces aspartic acid, which is acidic and polar, with histidine, which is basic and polar, at codon 346 of the BARD1 protein (p.Asp346His). This variant is not present in population databases (gnomAD no frequency). This variant has not been reported in the literature in individuals affected with BARD1-related conditions. Algorithms developed to predict the effect of missense changes on protein structure and function output the following: SIFT: "Not Available"; PolyPhen-2: "Benign"; Align-GVGD: "Not Available". The histidine amino acid residue is found in multiple mammalian species, which suggests that this missense change does not adversely affect protein function. In summary, the available evidence is currently insufficient to determine the role of this variant in disease. Therefore, it has been classified as a Variant of Uncertain Significance.